The following is an entry in ClinVar:

ClinVar aggregate classification (germline): Uncertain significance. Review status: criteria provided, multiple submitters, no conflicts (2 of 4 stars). 2 submissions from 2 submitters: Uncertain significance (2). Last evaluated 2024-09-20.

Conditions:
Renal tubular dysgenesis of genetic origin. Also called: PRIMITIVE RENAL TUBULE SYNDROME. Identifiers: Orphanet 97369, MedGen C5681536, MONDO:0009970, OMIM 267430.
Familial juvenile hyperuricemic nephropathy type 2 (ADTKD4). Also called: Autosomal Dominant Tubulointerstitial Kidney Disease – REN; EARLY-ONSET HYPERURICEMIA, ANEMIA, AND PROGRESSIVE KIDNEY FAILURE. Identifiers: Orphanet 217330, MedGen C2751310, MONDO:0013128, OMIM 613092.

gnomAD v4.1: 6 of 1,613,964 alleles (0.00037%); highest among the groups gnomAD compares: Admixed American, 0.0017%; no homozygotes.

Submissions (3):

Labcorp Genetics (formerly Invitae), Labcorp
Classification: Uncertain significance. Last evaluated: 2024-09-20. Review status: criteria provided, single submitter. Criteria: Invitae Variant Classification Sherloc (09022015). Collection method: clinical testing. Allele origin: germline.
Comment: This sequence change affects codon 133 of the REN mRNA. It is a 'silent' change, meaning that it does not change the encoded amino acid sequence of the REN protein. This variant is present in population databases (rs751553609, gnomAD 0.007%). This variant has not been reported in the literature in individuals affected with REN-related conditions. Algorithms developed to predict the effect of sequence changes on RNA splicing suggest that this variant may create or strengthen a splice site. In summary, the available evidence is currently insufficient to determine the role of this variant in disease. Therefore, it has been classified as a Variant of Uncertain Significance.

Fulgent Genetics
Classification: Uncertain significance for Renal tubular dysgenesis of genetic origin; Familial juvenile hyperuricemic nephropathy type 2. Last evaluated: 2024-02-28. Review status: criteria provided, single submitter. Criteria: ACMG Guidelines, 2015. Collection method: clinical testing. Allele origin: germline.

Dr. Peter K. Rogan Lab, Western University
No classification provided (evidence only). Condition: Uterine corpus endometrial carcinoma. Review status: no classification provided. Collection method: in vitro. Allele origin: not applicable. Functional consequence: retained intron. Not counted in ClinVar's aggregate classification.

NM_000537.4(REN):c.399G>A (p.Ser133=)

Gene: REN (renin; minus strand). Cytogenetic location: 1q32.1.
Variant type: single nucleotide variant.
Coding change: c.399G>A on transcript NM_000537.4 (MANE Select); coding-DNA position 399, G replaced by A.
Protein change: p.Ser133=; no amino-acid change (serine 133 retained).
Molecular consequence: synonymous variant.
Genome position (GRCh38, 1-based): chr1:204,160,653, C>T on the plus strand (G>A on the coding strand, the complement: REN is on the minus strand). VCF-style: chr1-204160653-C-T. GRCh37 (hg19) VCF-style: chr1-204129781-C-T.
Identifiers: ClinVar variation 3578079 (VCV003578079.4).